The following is an entry in ClinVar:

NM_012123.4(MTO1):c.2038T>C (p.Tyr680His)

Gene: MTO1 (mitochondrial tRNA translation optimization 1; plus strand). Cytogenetic location: 6q13.
Variant type: single nucleotide variant.
Coding change: c.2038T>C on transcript NM_012123.4 (MANE Select); coding-DNA position 2038, T replaced by C.
Protein change: p.Tyr680His; replaces tyrosine 680 with histidine.
Molecular consequence: missense variant.
Genome position (GRCh38, 1-based): chr6:73,500,694, T>C. VCF-style: chr6-73500694-T-C. GRCh37 (hg19) VCF-style: chr6-74210417-T-C.
Other names: c.2158T>C, p.Tyr720His (NM_001123226.2); c.2113T>C, p.Tyr705His (NM_133645.3); short protein forms Y680H, Y720H, Y705H.
Identifiers: ClinVar variation 2912890 (VCV002912890.3), dbSNP rs140641486, ClinGen allele CA364702135.
Genomic context (GRCh38, chr6:73,500,694, plus strand): 5'-TTTGTGAAGACCACTCAACGAAGACAGTCGGCTATGAATGAATCATCCAAGACTGATCAA[T>C]ACTTATGTGATGCAGACAGACTTCAAGAGAGAGAGTTATAGCTTTCAATTCATAAAAGAT-3'
Protein context (NP_036255.2, residues 670-690): AMNESSKTDQ[Tyr680His]LCDADRLQER

ClinVar aggregate classification (germline): Uncertain significance (1 of 4 stars; one submission).

Conditions:
Mitochondrial hypertrophic cardiomyopathy with lactic acidosis due to MTO1 deficiency. Also called: Combined oxidative phosphorylation deficiency 10; CARDIOMYOPATHY, INFANTILE HYPERTROPHIC MITOCHONDRIAL, AND LACTIC ACIDOSIS. Identifiers: Orphanet 314637, MedGen C4749921, MONDO:0013865, OMIM 614702.

Submission:

Labcorp Genetics (formerly Invitae), Labcorp
Classification: Uncertain significance for Mitochondrial hypertrophic cardiomyopathy with lactic acidosis due to MTO1 deficiency. Last evaluated: 2022-12-31. Review status: criteria provided, single submitter. Criteria: Invitae Variant Classification Sherloc (09022015). Collection method: clinical testing. Allele origin: germline.
Comment: This sequence change replaces tyrosine, which is neutral and polar, with histidine, which is basic and polar, at codon 680 of the MTO1 protein (p.Tyr680His). This variant is not present in population databases (gnomAD no frequency). This variant has not been reported in the literature in individuals affected with MTO1-related conditions. Algorithms developed to predict the effect of missense changes on protein structure and function output the following: SIFT: "Tolerated"; PolyPhen-2: "Benign"; Align-GVGD: "Class C0". The histidine amino acid residue is found in multiple mammalian species, which suggests that this missense change does not adversely affect protein function. In summary, the available evidence is currently insufficient to determine the role of this variant in disease. Therefore, it has been classified as a Variant of Uncertain Significance.